The following is an entry in ClinVar:

ClinVar aggregate classification (germline): Likely pathogenic (1 of 4 stars; one submission).

Conditions:
Alport syndrome. Also called: Hemorrhagic familial nephritis; Hemorrhagic hereditary nephritis; Congenital hereditary hematuria. Identifiers: Orphanet 63, MedGen C1567741, MONDO:0018965.

Submission:

Natera, Inc.
Classification: Likely pathogenic for Alport syndrome. Last evaluated: 2025-01-13. Review status: criteria provided, single submitter. Criteria: Natera Variant Classification Schema (03/2026). Collection method: clinical testing. Allele origin: germline.
Comment: The c.2489G>A variant in COL4A3 is a missense variant predicted to cause substitution of glycine to aspartic acid at amino acid 830. This variant is rare in the general population with a frequency below the threshold expected for the associated phenotype(s). This variant has been observed in one or more individuals affected with the associated recessive disease, as either homozygous or compound heterozygous with a second variant (PMID: 26809805). This variant is located in a functionally critical region of the protein. Computational prediction algorithms indicate this variant is likely to affect gene or protein function. Given the available evidence, this variant is classified as Likely Pathogenic.

Literature cited by the submitters: PubMed 26809805.

NM_000091.5(COL4A3):c.2489G>A (p.Gly830Asp)

Genes: COL4A3 (collagen type IV alpha 3 chain; plus strand), MFF-DT (MFF divergent transcript; minus strand). Cytogenetic location: 2q36.3.
Variant type: single nucleotide variant.
Coding change: c.2489G>A on transcript NM_000091.5 (MANE Select); coding-DNA position 2489, G replaced by A.
Protein change: p.Gly830Asp; replaces glycine 830 with aspartic acid.
Molecular consequence: missense variant.
Genome position (GRCh38, 1-based): chr2:227,282,365, G>A. VCF-style: chr2-227282365-G-A. GRCh37 (hg19) VCF-style: chr2-228147081-G-A.
Other names: short protein forms G830D.
Identifiers: ClinVar variation 4817223 (VCV004817223.1).